The following is an entry in ClinVar:

ClinVar aggregate classification (germline): Uncertain significance (1 of 4 stars; one submission).

Conditions:
Inborn genetic diseases. Identifiers: MedGen C0950123, MeSH D030342.

Submission:

Ambry Genetics
Classification: Uncertain significance for Inborn genetic diseases. Last evaluated: 2025-03-26. Review status: criteria provided, single submitter. Criteria: Ambry Variant Classification Scheme 2023. Collection method: clinical testing. Allele origin: germline.
Comment: The p.Q414E variant (also known as c.1240C>G), located in coding exon 10 of the CEP57 gene, results from a C to G substitution at nucleotide position 1240. The glutamine at codon 414 is replaced by glutamic acid, an amino acid with highly similar properties. This amino acid position is conserved. In addition, the in silico prediction for this alteration is inconclusive. Based on the available evidence, the clinical significance of this variant remains unclear.

NM_014679.5(CEP57):c.1240C>G (p.Gln414Glu)

Gene: CEP57 (centrosomal protein 57; plus strand). Cytogenetic location: 11q21.
Variant type: single nucleotide variant.
Coding change: c.1240C>G on transcript NM_014679.5 (MANE Select); coding-DNA position 1240, C replaced by G.
Protein change: p.Gln414Glu; replaces glutamine 414 with glutamic acid.
Molecular consequence: missense variant.
Genome position (GRCh38, 1-based): chr11:95,829,299, C>G. VCF-style: chr11-95829299-C-G. GRCh37 (hg19) VCF-style: chr11-95562463-C-G.
Other names: c.1213C>G, p.Gln405Glu (NM_001243776.2); c.1162C>G, p.Gln388Glu (NM_001243777.2); c.1159C>G, p.Gln387Glu (NM_001363604.2); short protein forms Q414E, Q387E, Q388E, Q405E.
Identifiers: ClinVar variation 4000983 (VCV004000983.1).